The following is an entry in ClinVar:

ClinVar aggregate classification (germline): Uncertain significance. Review status: criteria provided, multiple submitters, no conflicts (2 of 4 stars). 3 submissions from 3 submitters: Uncertain significance (3). Last evaluated 2024-02-12.

Conditions:
Microcephaly, seizures, and developmental delay. Identifiers: Orphanet 1934, MedGen C3150667, MONDO:0013254, OMIM 613402.
Developmental and epileptic encephalopathy, 12 (DEE12). Identifiers: MedGen C3150988, MONDO:0013389, OMIM 613722.

Allele frequency attached by ClinVar (database versions not stated): TOPMed 0.00001; ExAC 0.00005; ESP Exome Variant Server 0.00008.
gnomAD v4.1: 16 of 1,559,542 alleles (0.001%); highest among the groups gnomAD compares: Admixed American, 0.0039%; no homozygotes.

Submissions (3):

GeneDx
Classification: Uncertain significance. Last evaluated: 2024-02-12. Review status: criteria provided, single submitter. Criteria: GeneDx Variant Classification Process June 2021. Collection method: clinical testing. Allele origin: germline. Affected: yes.
Comment: Not observed at significant frequency in large population cohorts (gnomAD); In silico analysis supports that this missense variant has a deleterious effect on protein structure/function; Has not been previously published as pathogenic or benign to our knowledge

Labcorp Genetics (formerly Invitae), Labcorp
Classification: Uncertain significance for Developmental and epileptic encephalopathy, 12. Last evaluated: 2024-01-16. Review status: criteria provided, single submitter. Criteria: Invitae Variant Classification Sherloc (09022015). Collection method: clinical testing. Allele origin: germline.
Comment: This sequence change replaces arginine, which is basic and polar, with tryptophan, which is neutral and slightly polar, at codon 259 of the PNKP protein (p.Arg259Trp). The frequency data for this variant in the population databases is considered unreliable, as metrics indicate poor data quality at this position in the gnomAD database. This variant has not been reported in the literature in individuals affected with PNKP-related conditions. ClinVar contains an entry for this variant (Variation ID: 834941). Advanced modeling of protein sequence and biophysical properties (such as structural, functional, and spatial information, amino acid conservation, physicochemical variation, residue mobility, and thermodynamic stability) performed at Invitae indicates that this missense variant is expected to disrupt PNKP protein function with a positive predictive value of 80%. In summary, the available evidence is currently insufficient to determine the role of this variant in disease. Therefore, it has been classified as a Variant of Uncertain Significance.

Neuberg Centre For Genomic Medicine, NCGM
Classification: Uncertain significance for Microcephaly, seizures, and developmental delay. Review status: criteria provided, single submitter. Criteria: ACMG Guidelines, 2015. Collection method: clinical testing. Allele origin: germline. Inheritance: Autosomal recessive inheritance. Affected: yes.
Comment: The missense variant c.775C>T in PNKP has been submitted to ClinVar as a Variant of Uncertain Significance, but no details are available for independent assessment. The p.Arg259Trp variant is novel (not in any individuals) in 1000 Genomes and has allele frequency of 0.003% in gnomAD database. The amino acid Arg at position 259 is changed to a Trp changing protein sequence and it might alter its composition and physico-chemical properties. The variant is predicted to be damaging by both SIFT and PolyPhen2. The residue is conserved across species. The amino acid change p.Arg259Trp in PNKP is predicted as conserved by GERP++ and PhyloP across 100 vertebrates. For these reasons, this variant has been classified as Uncertain Significance (VUS).

NM_007254.4(PNKP):c.775C>T (p.Arg259Trp)

Gene: PNKP (polynucleotide kinase 3'-phosphatase; minus strand). Cytogenetic location: 19q13.33.
Variant type: single nucleotide variant.
Coding change: c.775C>T on transcript NM_007254.4 (MANE Select); coding-DNA position 775, C replaced by T.
Protein change: p.Arg259Trp; replaces arginine 259 with tryptophan.
Molecular consequence: missense variant.
Genome position (GRCh38, 1-based): chr19:49,863,730, G>A on the plus strand (C>T on the coding strand, the complement: PNKP is on the minus strand). VCF-style: chr19-49863730-G-A. GRCh37 (hg19) VCF-style: chr19-50366987-G-A.
Other names: c.775C>T (NM_007254.2); short protein forms R259W.
Identifiers: ClinVar variation 834941 (VCV000834941.11), dbSNP rs368301643, ClinGen allele CA9586800.